The following is an entry in ClinVar:

NM_017613.4(DONSON):c.119C>T (p.Thr40Met)

Gene: DONSON (DNA replication fork stabilization factor DONSON; minus strand). Cytogenetic location: 21q22.11.
Variant type: single nucleotide variant.
Coding change: c.119C>T on transcript NM_017613.4 (MANE Select); coding-DNA position 119, C replaced by T.
Protein change: p.Thr40Met; replaces threonine 40 with methionine.
Molecular consequence: missense variant.
Genome position (GRCh38, 1-based): chr21:33,588,523, G>A on the plus strand (C>T on the coding strand, the complement: DONSON is on the minus strand). VCF-style: chr21-33588523-G-A. GRCh37 (hg19) VCF-style: chr21-34960829-G-A.
Other names: short protein forms T40M.
Identifiers: ClinVar variation 1909548 (VCV001909548.5), dbSNP rs1332006642, ClinGen allele CA410145339.
Genomic context (GRCh38, chr21:33,588,523, plus strand): 5'-GCAGGGAAAGGGCGAAGAGGCAGCCCCGCCACCAGGGCGGCTCGGCGGGCCGCCGGCTCC[G>A]TCAGCTCACGGGGCGGGGAGGCGGCAGCTCCACGGCTCCGGGCCCTTTTCCGTCGGAGCC-3'
Protein context (NP_060083.1, residues 30-50): GAAASPPREL[Thr40Met]EPAARRAALV

ClinVar aggregate classification (germline): Uncertain significance (1 of 4 stars; one submission).

Allele frequency attached by ClinVar (database versions not stated): TOPMed 0.00001; gnomAD 0.00009.
gnomAD v4.1: 21 of 1,252,338 alleles (0.0017%); highest among the groups gnomAD compares: Non-Finnish European, 0.0017%; no homozygotes.

Submission:

Labcorp Genetics (formerly Invitae), Labcorp
Classification: Uncertain significance. Last evaluated: 2022-01-19. Review status: criteria provided, single submitter. Criteria: Invitae Variant Classification Sherloc (09022015). Collection method: clinical testing. Allele origin: germline.
Comment: In summary, the available evidence is currently insufficient to determine the role of this variant in disease. Therefore, it has been classified as a Variant of Uncertain Significance. Algorithms developed to predict the effect of missense changes on protein structure and function (SIFT, PolyPhen-2, Align-GVGD) all suggest that this variant is likely to be tolerated. This variant has not been reported in the literature in individuals affected with DONSON-related conditions. This variant is present in population databases (no rsID available, gnomAD 0.07%). This sequence change replaces threonine, which is neutral and polar, with methionine, which is neutral and non-polar, at codon 40 of the DONSON protein (p.Thr40Met).